The following is an entry in ClinVar:

ClinVar aggregate classification (germline): Uncertain significance (1 of 4 stars; one submission).

Conditions:
Kabuki syndrome 2 (KABUK2). Also called: KDM6A-Related Kabuki Syndrome. Identifiers: Orphanet 2322, MedGen C3275495, MONDO:0010465, OMIM 300867.

Submission:

Labcorp Genetics (formerly Invitae), Labcorp
Classification: Uncertain significance for Kabuki syndrome 2. Last evaluated: 2024-10-10. Review status: criteria provided, single submitter. Criteria: Invitae Variant Classification Sherloc (09022015). Collection method: clinical testing. Allele origin: germline.
Comment: This sequence change falls in intron 12 of the KDM6A gene. It does not directly change the encoded amino acid sequence of the KDM6A protein. It affects a nucleotide within the consensus splice site. This variant is not present in population databases (gnomAD no frequency). This variant has not been reported in the literature in individuals affected with KDM6A-related conditions. Variants that disrupt the consensus splice site are a relatively common cause of aberrant splicing (PMID: 17576681, 9536098). Algorithms developed to predict the effect of sequence changes on RNA splicing suggest that this variant is not likely to affect RNA splicing. In summary, the available evidence is currently insufficient to determine the role of this variant in disease. Therefore, it has been classified as a Variant of Uncertain Significance.

Literature cited by the submitters: PubMed 17576681; PubMed 9536098.

NM_001291415.2(KDM6A):c.1194+6A>C

Gene: KDM6A (lysine demethylase 6A; plus strand). Cytogenetic location: Xp11.3.
Variant type: single nucleotide variant.
Coding change: c.1194+6A>C on transcript NM_001291415.2 (MANE Select); 6 bases into the intron after coding-DNA position 1194, A replaced by C.
Molecular consequence: intron variant.
Genome position (GRCh38, 1-based): chrX:45,059,472, A>C. VCF-style: chrX-45059472-A-C. GRCh37 (hg19) VCF-style: chrX-44918717-A-C.
Other names: c.1194+6A>C (NM_001419809.1, NM_001419810.1, NM_001419813.1 and 9 more transcripts); c.441+6A>C (NM_001291421.2).
Identifiers: ClinVar variation 3722603 (VCV003722603.2).